The following is an entry in ClinVar:

NM_004385.5(VCAN):c.3595A>G (p.Ile1199Val)

Gene: VCAN (versican; plus strand). Cytogenetic location: 5q14.3.
Variant type: single nucleotide variant.
Coding change: c.3595A>G on transcript NM_004385.5 (MANE Select); coding-DNA position 3595, A replaced by G.
Protein change: p.Ile1199Val; replaces isoleucine 1199 with valine.
Molecular consequence: missense variant. On other transcripts: intron variant (2).
Genome position (GRCh38, 1-based): chr5:83,521,901, A>G. VCF-style: chr5-83521901-A-G. GRCh37 (hg19) VCF-style: chr5-82817720-A-G.
Other names: c.3595A>G, p.Ile1199Val (NM_001164098.2); c.1042+9505A>G (NM_001164097.2, NM_001126336.3); c.3595A>G (NM_004385.4); short protein forms I1199V.
Identifiers: ClinVar variation 1410337 (VCV001410337.9), dbSNP rs751602505, ClinGen allele CA3333025.

ClinVar aggregate classification (germline): Uncertain significance. Review status: criteria provided, multiple submitters, no conflicts (2 of 4 stars). 2 submissions from 2 submitters: Uncertain significance (2). Last evaluated 2025-03-20.

Conditions:
Inborn genetic diseases. Identifiers: MedGen C0950123, MeSH D030342.

Allele frequency attached by ClinVar (database versions not stated): gnomAD exomes below 0.00001 and 0.00001; TOPMed 0.00001; ExAC 0.00002; gnomAD 0.00002.
gnomAD v4.1: 4 of 1,614,078 alleles (0.00025%); highest among the groups gnomAD compares: African/African-American, 0.0027%; no homozygotes.

Submissions (2):

Ambry Genetics
Classification: Uncertain significance for Inborn genetic diseases. Last evaluated: 2025-03-20. Review status: criteria provided, single submitter. Criteria: Ambry Variant Classification Scheme 2023. Collection method: clinical testing. Allele origin: germline.

Labcorp Genetics (formerly Invitae), Labcorp
Classification: Uncertain significance. Last evaluated: 2023-12-30. Review status: criteria provided, single submitter. Criteria: Invitae Variant Classification Sherloc (09022015). Collection method: clinical testing. Allele origin: germline.
Comment: This sequence change replaces isoleucine, which is neutral and non-polar, with valine, which is neutral and non-polar, at codon 1199 of the VCAN protein (p.Ile1199Val). This variant is present in population databases (rs751602505, gnomAD 0.004%). This variant has not been reported in the literature in individuals affected with VCAN-related conditions. ClinVar contains an entry for this variant (Variation ID: 1410337). Algorithms developed to predict the effect of missense changes on protein structure and function output the following: SIFT: "Not Available"; PolyPhen-2: "Benign"; Align-GVGD: "Not Available". The valine amino acid residue is found in multiple mammalian species, which suggests that this missense change does not adversely affect protein function. In summary, the available evidence is currently insufficient to determine the role of this variant in disease. Therefore, it has been classified as a Variant of Uncertain Significance.